The following is an entry in ClinVar:

NM_172351.3(CD46):c.845A>G (p.Lys282Arg)

Gene: CD46 (CD46 molecule; plus strand). Cytogenetic location: 1q32.2.
Variant type: single nucleotide variant.
Coding change: c.845A>G on transcript NM_172351.3 (MANE Select); coding-DNA position 845, A replaced by G.
Protein change: p.Lys282Arg; replaces lysine 282 with arginine.
Molecular consequence: missense variant.
Genome position (GRCh38, 1-based): chr1:207,767,184, A>G. VCF-style: chr1-207767184-A-G. GRCh37 (hg19) VCF-style: chr1-207940529-A-G.
Other names: c.845A>G, p.Lys282Arg (NM_002389.4, NM_153826.4, NM_172350.3 and 8 more transcripts); short protein forms K282R.
Identifiers: ClinVar variation 4291192 (VCV004291192.1).

ClinVar aggregate classification (germline): Uncertain significance (1 of 4 stars; one submission).

Conditions:
Atypical hemolytic-uremic syndrome. Identifiers: Orphanet 2134, MedGen C2931788, MONDO:0016244.

Submission:

Genomenon, Inc
Classification: Uncertain significance for Atypical hemolytic-uremic syndrome. Last evaluated: 2025-10-02. Review status: criteria provided, single submitter. Criteria: Genomenon Sequence Variant Interpretation Standards. Collection method: curation. Allele origin: germline. Affected: no.
Comment: CD46 p.Lys282Arg (c.845A>G) is a missense variant that changes the amino acid at residue 282 from Lysine to Arginine. This variant has been reported in the published literature (PMID:36211394). It is absent or not present at a significant frequency in gnomAD. In silico models agree that this variant is not damaging. In conclusion, we classify CD46 p.Lys282Arg (c.845A>G) as a variant of uncertain significance.

Literature cited by the submitters: PubMed 36211394.